The following is an entry in ClinVar:

ClinVar aggregate classification (germline): Pathogenic (1 of 4 stars; one submission).

Conditions:
Early-infantile DEE. Also called: Early infantile epileptic encephalopathy; Ohtahara syndrome; Early infantile epileptic encephalopathy with suppression bursts. Identifiers: Orphanet 1934, MedGen C0393706, MONDO:0800491.

Submission:

Labcorp Genetics (formerly Invitae), Labcorp
Classification: Pathogenic for Early-infantile DEE. Last evaluated: 2021-01-04. Review status: criteria provided, single submitter. Criteria: Invitae Variant Classification Sherloc (09022015). Collection method: clinical testing. Allele origin: germline.
Comment: This sequence change creates a premature translational stop signal (p.Lys592Aspfs*7) in the SPTAN1 gene. It is expected to result in an absent or disrupted protein product. Loss-of-function variants in SPTAN1 are known to be pathogenic (PMID: 31332438, 33206935). This variant is not present in population databases (ExAC no frequency). This variant has not been reported in the literature in individuals with SPTAN1-related conditions. ClinVar contains an entry for this variant (Variation ID: 959435). For these reasons, this variant has been classified as Pathogenic.

Literature cited by the submitters: PubMed 31332438; PubMed 33206935.

NM_001130438.3(SPTAN1):c.1773_1774del (p.Lys592fs)

Gene: SPTAN1 (spectrin alpha, non-erythrocytic 1; plus strand). Cytogenetic location: 9q34.11.
Variant type: Microsatellite.
Coding change: c.1773_1774del on transcript NM_001130438.3 (MANE Select); coding-DNA positions 1773 to 1774, 2 bases deleted (GA; older notation c.1773_1774delGA).
Protein change: p.Lys592fs; shifts the reading frame from lysine 592.
Molecular consequence: frameshift variant.
Genome position (GRCh38, 1-based): chr9:128,582,816-128,582,817, GA deleted; deleting any 2 consecutive bases within chr9:128,582,814-128,582,817 gives the same sequence; the c. name uses the placement nearest the transcript's 3' end. VCF-style (leftmost placement, unchanged base first): chr9-128582813-TGA-T. GRCh37 (hg19) VCF-style: chr9-131345092-TGA-T.
Other names: c.1773_1774del, p.Lys592fs (NM_001195532.2, NM_001363759.2, NM_001363765.2 and 5 more transcripts); c.1809_1810del, p.Lys604fs (NM_001375312.2, NM_001375318.1); short protein forms K592fs, K604fs.
Identifiers: ClinVar variation 959435 (VCV000959435.8), dbSNP rs1852112548, ClinGen allele CA1880334041.